The following is an entry in ClinVar:

ClinVar aggregate classification (germline): Uncertain significance (1 of 4 stars; one submission).

Allele frequency attached by ClinVar (database versions not stated): gnomAD exomes below 0.00001.
gnomAD v4.1: 3 of 1,613,998 alleles (0.00019%); highest among the groups gnomAD compares: Admixed American, 0.0033%; no homozygotes.

Submission:

Labcorp Genetics (formerly Invitae), Labcorp
Classification: Uncertain significance. Last evaluated: 2022-07-12. Review status: criteria provided, single submitter. Criteria: Invitae Variant Classification Sherloc (09022015). Collection method: clinical testing. Allele origin: germline.
Comment: Algorithms developed to predict the effect of missense changes on protein structure and function are either unavailable or do not agree on the potential impact of this missense change (SIFT: "Deleterious"; PolyPhen-2: "Probably Damaging"; Align-GVGD: "Class C0"). In summary, the available evidence is currently insufficient to determine the role of this variant in disease. Therefore, it has been classified as a Variant of Uncertain Significance. ClinVar contains an entry for this variant (Variation ID: 1363578). This variant has not been reported in the literature in individuals affected with KIAA1549-related conditions. This variant is not present in population databases (gnomAD no frequency). This sequence change replaces cysteine, which is neutral and slightly polar, with tyrosine, which is neutral and polar, at codon 424 of the KIAA1549 protein (p.Cys424Tyr).

NM_001164665.2(KIAA1549):c.1271G>A (p.Cys424Tyr)

Gene: KIAA1549 (KIAA1549; minus strand). Cytogenetic location: 7q34.
Variant type: single nucleotide variant.
Coding change: c.1271G>A on transcript NM_001164665.2 (MANE Select); coding-DNA position 1271, G replaced by A.
Protein change: p.Cys424Tyr; replaces cysteine 424 with tyrosine.
Molecular consequence: missense variant.
Genome position (GRCh38, 1-based): chr7:138,918,355, C>T on the plus strand (G>A on the coding strand, the complement: KIAA1549 is on the minus strand). VCF-style: chr7-138918355-C-T. GRCh37 (hg19) VCF-style: chr7-138603101-C-T.
Other names: c.1271G>A, p.Cys424Tyr (NM_020910.3); short protein forms C424Y.
Identifiers: ClinVar variation 1363578 (VCV001363578.6), dbSNP rs2130481453, ClinGen allele CA369399346.